The following is an entry in ClinVar:

ClinVar aggregate classification (germline): Likely benign. Review status: criteria provided, single submitter (1 of 4 stars). 2 submissions from 2 submitters: Likely benign (1). 1 of the submissions does not count toward it. Last evaluated 2026-01-17.

Conditions:
PC-related disorder. Also called: PC-related condition.
Pyruvate carboxylase deficiency. Also called: Pyruvate Carboxylase Deficiency Disease; LEIGH NECROTIZING ENCEPHALOPATHY DUE TO PYRUVATE CARBOXYLASE DEFICIENCY; LEIGH SYNDROME DUE TO PYRUVATE CARBOXYLASE DEFICIENCY; PC DEFICIENCY; ATAXIA WITH LACTIC ACIDOSIS II. Identifiers: Orphanet 3008, MedGen C0034341, MONDO:0009949, OMIM 266150.

Allele frequency attached by ClinVar (database versions not stated): gnomAD 0.00001 and 0.00003; TOPMed 0.00001; gnomAD exomes 0.00006 and 0.00011; ExAC 0.00012.
gnomAD v4.1: 88 of 1,613,032 alleles (0.0055%); highest among the groups gnomAD compares: South Asian, 0.075%; 1 homozygote.

Submissions (2):

Labcorp Genetics (formerly Invitae), Labcorp
Classification: Likely benign for Pyruvate carboxylase deficiency. Last evaluated: 2026-01-17. Review status: criteria provided, single submitter. Criteria: Invitae Variant Classification Sherloc (09022015). Collection method: clinical testing. Allele origin: germline.

PreventionGenetics, part of Exact Sciences
Classification: Likely benign for PC-related condition. Last evaluated: 2021-06-16. Review status: no assertion criteria provided. Collection method: clinical testing. Allele origin: germline. Not counted in ClinVar's aggregate classification.
Comment: This variant is classified as likely benign based on ACMG/AMP sequence variant interpretation guidelines (Richards et al. 2015 PMID: 25741868, with internal and published modifications).

NM_001040716.2(PC):c.1110C>T (p.Asn370=)

Gene: PC (pyruvate carboxylase; minus strand). Cytogenetic location: 11q13.2.
Variant type: single nucleotide variant.
Coding change: c.1110C>T on transcript NM_001040716.2 (MANE Select); coding-DNA position 1110, C replaced by T.
Protein change: p.Asn370=; no amino-acid change (asparagine 370 retained).
Molecular consequence: synonymous variant.
Genome position (GRCh38, 1-based): chr11:66,866,262, G>A on the plus strand (C>T on the coding strand, the complement: PC is on the minus strand). VCF-style: chr11-66866262-G-A. GRCh37 (hg19) VCF-style: chr11-66633733-G-A.
Other names: c.1110C>T, p.Asn370= (NM_000920.4, NM_022172.3); c.1110C>T (NM_001040716.1).
Identifiers: ClinVar variation 725322 (VCV000725322.12), dbSNP rs776429910, ClinGen allele CA6131981.